The following is an entry in ClinVar:

NM_001267550.2(TTN):c.67959T>C (p.Phe22653=)

Genes: TTN (titin; minus strand), TTN-AS1 (TTN antisense RNA 1; plus strand), LOC126806423 (CDK7 strongly-dependent group 2 enhancer GRCh37_chr2:179443309-179444508; plus strand). Cytogenetic location: 2q31.2.
Variant type: single nucleotide variant.
Coding change: c.67959T>C on transcript NM_001267550.2 (MANE Select); coding-DNA position 67959, T replaced by C.
Protein change: p.Phe22653=; no amino-acid change (phenylalanine 22653 retained).
Molecular consequence: synonymous variant.
Genome position (GRCh38, 1-based): chr2:178,579,071, A>G on the plus strand (T>C on the coding strand, the complement: TTN is on the minus strand). VCF-style: chr2-178579071-A-G. GRCh37 (hg19) VCF-style: chr2-179443798-A-G.
Other names: c.67959T>C (NM_001267550.1); c.63036T>C, p.Phe21012= (NM_001256850.1); c.40764T>C, p.Phe13588= (NM_003319.4); c.60255T>C, p.Phe20085= (NM_133378.4); c.41139T>C, p.Phe13713= (NM_133432.3); c.41340T>C, p.Phe13780= (NM_133437.4).
Identifiers: ClinVar variation 262330 (VCV000262330.29), dbSNP rs72646877, ClinGen allele CA1991212.
Genomic context (GRCh38, chr2:178,579,071, plus strand): 5'-ACCTCCATCATCCTTTGGAGGAGCCCACTTTAAGGTCATGGCTTCTGCTGTGACTTCATC[A>G]AATTTGATTGGTCCAGTGGGGATGCCAGGCTTGCCAACAACCTTTATGGAGATAGTTCCT-3'
Protein context (NP_001254479.2, residues 22643-22663): KPGIPTGPIK[Phe22653=]DEVTAEAMTL

ClinVar aggregate classification (germline): Conflicting classifications of pathogenicity. Review status: criteria provided, conflicting classifications (1 of 4 stars). 13 submissions from 9 submitters: Uncertain significance (4); Benign (1); Likely benign (8). Last evaluated 2025-12-20.

Conditions:
Myopathy, myofibrillar, 9, with early respiratory failure (MFM9). Also called: Hereditary myopathy with early respiratory failure; EDSTROM MYOPATHY; Myopathy, distal, with early respiratory failure, autosomal dominant; MYOPATHY, PROXIMAL, WITH EARLY RESPIRATORY MUSCLE INVOLVEMENT. Identifiers: Orphanet 178464, Orphanet 34521, MedGen C1863599, MONDO:0011362, OMIM 603689.
Dilated cardiomyopathy 1G (CMD1G). Identifiers: Orphanet 154, MedGen C1858763, MONDO:0011400, OMIM 604145.
Tibial muscular dystrophy (TMD). Also called: UDD MYOPATHY; Udd Distal Myopathy – Tibial Muscular Dystrophy; Tibial muscular dystrophy, tardive. Identifiers: Orphanet 609, MedGen C1838244, MONDO:0010870, OMIM 600334.
Cardiovascular phenotype. Identifiers: MedGen CN230736.
Autosomal recessive limb-girdle muscular dystrophy type 2J (LGMDR10). Also called: Limb-girdle muscular dystrophy, type 2J; MUSCULAR DYSTROPHY, LIMB-GIRDLE, AUTOSOMAL RECESSIVE 10. Identifiers: Orphanet 140922, MedGen C1837342, MONDO:0012127, OMIM 608807.
Early-onset myopathy with fatal cardiomyopathy (CMYO5). Also called: CONGENITAL MYOPATHY 5 WITH CARDIOMYOPATHY; Salih Myopathy. Identifiers: Orphanet 289377, MedGen C2673677, MONDO:0012714, OMIM 611705. Disease mechanism: loss of function.

Allele frequency attached by ClinVar (database versions not stated): ESP Exome Variant Server 0.00008; TOPMed 0.00008; gnomAD 0.00016.
gnomAD v4.1: 261 of 1,613,196 alleles (0.016%); highest among the groups gnomAD compares: Non-Finnish European, 0.021%; no homozygotes.

Submissions (13):

Labcorp Genetics (formerly Invitae), Labcorp
Classification: Likely benign for Dilated cardiomyopathy 1G; Autosomal recessive limb-girdle muscular dystrophy type 2J. Last evaluated: 2025-12-20. Review status: criteria provided, single submitter. Criteria: Invitae Variant Classification Sherloc (09022015). Collection method: clinical testing. Allele origin: germline.

Women's Health and Genetics/Laboratory Corporation of America, LabCorp
Classification: Likely benign. Last evaluated: 2025-01-10. Review status: criteria provided, single submitter. Criteria: LabCorp Variant Classification Summary - May 2015. Collection method: clinical testing. Allele origin: germline.

Blueprint Genetics
Classification: Likely benign. Last evaluated: 2024-10-03. Review status: criteria provided, single submitter. Criteria: ACMG Guidelines, 2015. Collection method: clinical testing. Allele origin: germline.

Athena Diagnostics
Classification: Likely benign. Last evaluated: 2024-01-26. Review status: criteria provided, single submitter. Criteria: Athena Diagnostics Criteria. Collection method: clinical testing. Allele origin: unknown.

Ambry Genetics
Classification: Likely benign for Cardiovascular phenotype. Last evaluated: 2019-09-23. Review status: criteria provided, single submitter. Criteria: Ambry Variant Classification Scheme 2023. Collection method: clinical testing. Allele origin: germline.

Illumina Laboratory Services, Illumina
Classification: Likely benign for Tibial muscular dystrophy. Last evaluated: 2018-01-12. Review status: criteria provided, single submitter. Criteria: ICSL Variant Classification Criteria 13 December 2019. Collection method: clinical testing. Allele origin: germline.
Comment: This variant was observed in the ICSL laboratory as part of a predisposition screen in an ostensibly healthy population. It had not been previously curated by ICSL or reported in the Human Gene Mutation Database (HGMD: prior to June 1st, 2018), and was therefore a candidate for classification through an automated scoring system. Utilizing variant allele frequency, disease prevalence and penetrance estimates, and inheritance mode, an automated score was calculated to assess if this variant is too frequent to cause the disease. Based on the score and internal cut-off values, a variant classified as likely benign is not then subjected to further curation. The score for this variant resulted in a classification of likely benign for this disease.

Illumina Laboratory Services, Illumina
Classification: Uncertain significance for Early-onset myopathy with fatal cardiomyopathy. Last evaluated: 2018-01-12. Review status: criteria provided, single submitter. Criteria: ICSL Variant Classification Criteria 13 December 2019. Collection method: clinical testing. Allele origin: germline.

Illumina Laboratory Services, Illumina
Classification: Uncertain significance for Autosomal recessive limb-girdle muscular dystrophy type 2J. Last evaluated: 2018-01-12. Review status: criteria provided, single submitter. Criteria: ICSL Variant Classification Criteria 13 December 2019. Collection method: clinical testing. Allele origin: germline.

Illumina Laboratory Services, Illumina
Classification: Uncertain significance for Dilated cardiomyopathy 1G. Last evaluated: 2018-01-12. Review status: criteria provided, single submitter. Criteria: ICSL Variant Classification Criteria 13 December 2019. Collection method: clinical testing. Allele origin: germline.

Illumina Laboratory Services, Illumina
Classification: Likely benign for Myopathy, myofibrillar, 9, with early respiratory failure. Last evaluated: 2018-01-12. Review status: criteria provided, single submitter. Criteria: ICSL Variant Classification Criteria 13 December 2019. Collection method: clinical testing. Allele origin: germline.
Comment: the same text as in the submission from Illumina Laboratory Services, Illumina above.

Eurofins Ntd Llc (ga)
Classification: Uncertain significance. Last evaluated: 2016-03-03. Review status: criteria provided, single submitter. Criteria: EGL Classification Definitions 2015. Collection method: clinical testing. Allele origin: germline. Observed: 1 variant allele, 1 heterozygote.

GeneDx
Classification: Benign. Last evaluated: 2015-03-03. Review status: criteria provided, single submitter. Criteria: GeneDx Variant Classification Process June 2021. Collection method: clinical testing. Allele origin: germline. Affected: yes.

PreventionGenetics, part of Exact Sciences
Classification: Likely benign. Review status: criteria provided, single submitter. Criteria: ACMG Guidelines, 2015. Collection method: clinical testing. Allele origin: germline.